The following is an entry in ClinVar:

ClinVar aggregate classification (germline): Uncertain significance (1 of 4 stars; one submission).

Conditions:
Inborn genetic diseases. Identifiers: MedGen C0950123, MeSH D030342.

gnomAD v4.1: 5 of 1,612,334 alleles (0.00031%); highest among the groups gnomAD compares: Non-Finnish European, 0.00042%; no homozygotes.

Submission:

Ambry Genetics
Classification: Uncertain significance for Inborn genetic diseases. Last evaluated: 2026-06-24. Review status: criteria provided, single submitter. Criteria: Ambry Variant Classification Scheme 2023. Collection method: clinical testing. Allele origin: germline.
Comment: The p.Q224P variant (also known as c.671A>C), located in coding exon 4 of the KDM1A gene, results from an A to C substitution at nucleotide position 671. The glutamine at codon 224 is replaced by proline, an amino acid with similar properties. This amino acid position is conserved. In addition, the in silico prediction for this alteration is inconclusive. Based on the available evidence, the clinical significance of this variant remains unclear.

NM_001009999.3(KDM1A):c.671A>C (p.Gln224Pro)

Gene: KDM1A (lysine demethylase 1A; plus strand). Cytogenetic location: 1p36.12.
Variant type: single nucleotide variant.
Coding change: c.671A>C on transcript NM_001009999.3 (MANE Select); coding-DNA position 671, A replaced by C.
Protein change: p.Gln224Pro; replaces glutamine 224 with proline.
Molecular consequence: missense variant.
Genome position (GRCh38, 1-based): chr1:23,050,480, A>C. VCF-style: chr1-23050480-A-C. GRCh37 (hg19) VCF-style: chr1-23376973-A-C.
Other names: c.611A>C, p.Gln204Pro (NM_001363654.2, NM_001410763.1, NM_015013.4); c.671A>C, p.Gln224Pro (NM_001410762.1); short protein forms Q224P, Q204P.
Identifiers: ClinVar variation 5023048 (VCV005023048.1).